The following is an entry in ClinVar:

NM_175875.5(SIX5):c.1717G>A (p.Val573Ile)

Gene: SIX5 (SIX homeobox 5; minus strand). Cytogenetic location: 19q13.32.
Variant type: single nucleotide variant.
Coding change: c.1717G>A on transcript NM_175875.5 (MANE Select); coding-DNA position 1717, G replaced by A.
Protein change: p.Val573Ile; replaces valine 573 with isoleucine.
Molecular consequence: missense variant.
Genome position (GRCh38, 1-based): chr19:45,766,004, C>T on the plus strand (G>A on the coding strand, the complement: SIX5 is on the minus strand). VCF-style: chr19-45766004-C-T. GRCh37 (hg19) VCF-style: chr19-46269262-C-T.
Other names: c.1717G>A (NM_175875.4); short protein forms V573I.
Identifiers: ClinVar variation 1981524 (VCV001981524.6), dbSNP rs534099181, ClinGen allele CA9520528.
Genomic context (GRCh38, chr19:45,766,004, plus strand): 5'-TGGCCGTCTCTGGCTTCAGTGGCAGGGCCAGGCCGGGGGCTGGCGGCAGGACCTGGGAGA[C>T]GAGCATGCTGGTGGGGAAGGTGGCGGTGAGGATGATCTTGCCCTGCTGCAGGGCCACACC-3'
Protein context (NP_787071.3, residues 563-583): LTATFPTSML[Val573Ile]SQVLPPAPGL

ClinVar aggregate classification (germline): Uncertain significance. Review status: criteria provided, multiple submitters, no conflicts (2 of 4 stars). 2 submissions from 2 submitters: Uncertain significance (2). Last evaluated 2025-05-13.

gnomAD v4.1: 57 of 1,605,418 alleles (0.0036%); highest among the groups gnomAD compares: Middle Eastern, 0.017%; no homozygotes.

Submissions (2):

Labcorp Genetics (formerly Invitae), Labcorp
Classification: Uncertain significance. Last evaluated: 2025-05-13. Review status: criteria provided, single submitter. Criteria: Invitae Variant Classification Sherloc (09022015). Collection method: clinical testing. Allele origin: germline.
Comment: This sequence change replaces valine, which is neutral and non-polar, with isoleucine, which is neutral and non-polar, at codon 573 of the SIX5 protein (p.Val573Ile). This variant is present in population databases (rs534099181, gnomAD 0.006%). This variant has not been reported in the literature in individuals affected with SIX5-related conditions. ClinVar contains an entry for this variant (Variation ID: 1981524). An algorithm developed to predict the effect of missense changes on protein structure and function (PolyPhen-2) suggests that this variant is likely to be tolerated. In summary, the available evidence is currently insufficient to determine the role of this variant in disease. Therefore, it has been classified as a Variant of Uncertain Significance.

Ambry Genetics
Classification: Uncertain significance. Last evaluated: 2023-07-25. Review status: criteria provided, single submitter. Criteria: Ambry Variant Classification Scheme 2023. Collection method: clinical testing. Allele origin: germline.